The following is an entry in ClinVar:

ClinVar aggregate classification (germline): Uncertain significance (1 of 4 stars; one submission).

Allele frequency attached by ClinVar (database versions not stated): gnomAD exomes 0.00001; TOPMed 0.00001.
gnomAD v4.1: 3 of 1,460,192 alleles (0.00021%); highest among the groups gnomAD compares: Non-Finnish European, 0.00027%; no homozygotes.

Submission:

Labcorp Genetics (formerly Invitae), Labcorp
Classification: Uncertain significance. Last evaluated: 2021-12-29. Review status: criteria provided, single submitter. Criteria: Invitae Variant Classification Sherloc (09022015). Collection method: clinical testing. Allele origin: germline.
Comment: In summary, the available evidence is currently insufficient to determine the role of this variant in disease. Therefore, it has been classified as a Variant of Uncertain Significance. Algorithms developed to predict the effect of missense changes on protein structure and function (SIFT, PolyPhen-2, Align-GVGD) all suggest that this variant is likely to be tolerated. This variant has not been reported in the literature in individuals affected with SPEG-related conditions. This variant is not present in population databases (gnomAD no frequency). This sequence change replaces alanine, which is neutral and non-polar, with threonine, which is neutral and polar, at codon 56 of the SPEG protein (p.Ala56Thr).

NM_005876.5(SPEG):c.166G>A (p.Ala56Thr)

Gene: SPEG (striated muscle enriched protein kinase; plus strand). Cytogenetic location: 2q35.
Variant type: single nucleotide variant.
Coding change: c.166G>A on transcript NM_005876.5 (MANE Select); coding-DNA position 166, G replaced by A.
Protein change: p.Ala56Thr; replaces alanine 56 with threonine.
Molecular consequence: missense variant.
Genome position (GRCh38, 1-based): chr2:219,435,143, G>A. VCF-style: chr2-219435143-G-A. GRCh37 (hg19) VCF-style: chr2-220299865-G-A.
Other names: short protein forms A56T.
Identifiers: ClinVar variation 1923727 (VCV001923727.3), dbSNP rs1954680131, ClinGen allele CA350703989.